The following is an entry in ClinVar:

NM_007348.4(ATF6):c.1183A>G (p.Met395Val)

Gene: ATF6 (activating transcription factor 6; plus strand). Cytogenetic location: 1q23.3.
Variant type: single nucleotide variant.
Coding change: c.1183A>G on transcript NM_007348.4 (MANE Select); coding-DNA position 1183, A replaced by G.
Protein change: p.Met395Val; replaces methionine 395 with valine.
Molecular consequence: missense variant.
Genome position (GRCh38, 1-based): chr1:161,821,157, A>G. VCF-style: chr1-161821157-A-G. GRCh37 (hg19) VCF-style: chr1-161790947-A-G.
Other names: c.1183A>G, p.Met395Val (NM_001410890.1); short protein forms M395V.
Identifiers: ClinVar variation 2093717 (VCV002093717.3), dbSNP rs371712436, ClinGen allele CA1214388.

ClinVar aggregate classification (germline): Uncertain significance (1 of 4 stars; one submission).

Allele frequency attached by ClinVar (database versions not stated): gnomAD 0.00001; gnomAD exomes 0.00001; ExAC 0.00002; TOPMed 0.00002; ESP Exome Variant Server 0.00008.
gnomAD v4.1: 9 of 1,594,980 alleles (0.00056%); highest among the groups gnomAD compares: African/African-American, 0.0027%; no homozygotes.

Submission:

Labcorp Genetics (formerly Invitae), Labcorp
Classification: Uncertain significance. Last evaluated: 2022-02-06. Review status: criteria provided, single submitter. Criteria: Invitae Variant Classification Sherloc (09022015). Collection method: clinical testing. Allele origin: germline.
Comment: In summary, the available evidence is currently insufficient to determine the role of this variant in disease. Therefore, it has been classified as a Variant of Uncertain Significance. Algorithms developed to predict the effect of sequence changes on RNA splicing suggest that this variant may create or strengthen a splice site. Algorithms developed to predict the effect of missense changes on protein structure and function (SIFT, PolyPhen-2, Align-GVGD) all suggest that this variant is likely to be tolerated. This variant has not been reported in the literature in individuals affected with ATF6-related conditions. This variant is present in population databases (rs371712436, gnomAD 0.01%). This sequence change replaces methionine, which is neutral and non-polar, with valine, which is neutral and non-polar, at codon 395 of the ATF6 protein (p.Met395Val).